The following is an entry in ClinVar:

ClinVar aggregate classification (germline): Uncertain significance. Review status: criteria provided, multiple submitters, no conflicts (2 of 4 stars). 2 submissions from 2 submitters: Uncertain significance (2). Last evaluated 2023-08-07.

Conditions:
Cardiovascular phenotype. Identifiers: MedGen CN230736.

Allele frequency attached by ClinVar (database versions not stated): TOPMed below 0.00001; gnomAD 0.00001.
gnomAD v4.1: 1 of 1,613,196 alleles (0.000062%); no homozygotes.

Submissions (2):

Ambry Genetics
Classification: Uncertain significance for Cardiovascular phenotype. Last evaluated: 2023-08-07. Review status: criteria provided, single submitter. Criteria: Ambry Variant Classification Scheme 2023. Collection method: clinical testing. Allele origin: germline.
Comment: The p.I587V variant (also known as c.1759A>G), located in coding exon 10 of the SOS1 gene, results from an A to G substitution at nucleotide position 1759. The isoleucine at codon 587 is replaced by valine, an amino acid with highly similar properties. This amino acid position is conserved. In addition, this alteration is predicted to be tolerated by in silico analysis. Since supporting evidence is limited at this time, the clinical significance of this alteration remains unclear.

Women's Health and Genetics/Laboratory Corporation of America, LabCorp
Classification: Uncertain significance. Last evaluated: 2023-02-05. Review status: criteria provided, single submitter. Criteria: LabCorp Variant Classification Summary - May 2015. Collection method: clinical testing. Allele origin: germline.

NM_005633.4(SOS1):c.1759A>G (p.Ile587Val)

Gene: SOS1 (SOS Ras/Rac guanine nucleotide exchange factor 1; minus strand). Cytogenetic location: 2p22.1.
Variant type: single nucleotide variant.
Coding change: c.1759A>G on transcript NM_005633.4 (MANE Select); coding-DNA position 1759, A replaced by G.
Protein change: p.Ile587Val; replaces isoleucine 587 with valine.
Molecular consequence: missense variant.
Genome position (GRCh38, 1-based): chr2:39,022,669, T>C on the plus strand (A>G on the coding strand, the complement: SOS1 is on the minus strand). VCF-style: chr2-39022669-T-C. GRCh37 (hg19) VCF-style: chr2-39249810-T-C.
Other names: c.1738A>G, p.Ile580Val (NM_001382394.1); c.1759A>G, p.Ile587Val (NM_001382395.1); short protein forms I580V, I587V.
Identifiers: ClinVar variation 2445718 (VCV002445718.3), dbSNP rs1458063607, ClinGen allele CA346365450.